The following is an entry in ClinVar:

NM_004082.5(DCTN1):c.2296C>T (p.Arg766Trp)

Gene: DCTN1 (dynactin subunit 1; minus strand). Cytogenetic location: 2p13.1.
Variant type: single nucleotide variant.
Coding change: c.2296C>T on transcript NM_004082.5 (MANE Select); coding-DNA position 2296, C replaced by T.
Protein change: p.Arg766Trp; replaces arginine 766 with tryptophan.
Molecular consequence: missense variant. On other transcripts: non-coding transcript variant (1).
Genome position (GRCh38, 1-based): chr2:74,367,065, G>A on the plus strand (C>T on the coding strand, the complement: DCTN1 is on the minus strand). VCF-style: chr2-74367065-G-A. GRCh37 (hg19) VCF-style: chr2-74594192-G-A.
Other names: c.2236C>T, p.Arg746Trp (NM_001135040.3); c.1894C>T, p.Arg632Trp (NM_001135041.3, NM_023019.4); c.2185C>T, p.Arg729Trp (NM_001190836.2); c.2275C>T, p.Arg759Trp (NM_001190837.2); c.2245C>T, p.Arg749Trp (NM_001378991.1); c.2227C>T, p.Arg743Trp (NM_001378992.1); short protein forms R759W, R766W, R632W, R729W, R743W, R749W, R746W.
Identifiers: ClinVar variation 1519221 (VCV001519221.6), dbSNP rs766338463, ClinGen allele CA1721885.
Genomic context (GRCh38, chr2:74,367,065, plus strand): 5'-GAAAGAAGAGGAGCTCACACAGATCTAGATGTGTTCTCACCTGCAAGAAGGCACGCAGCC[G>A]TCCTACCTCCACACTCATGCAGTCCAGAGCACTCTGCGTGAACTGTGAGGATAGAAGCAT-3'
Protein context (NP_004073.2, residues 756-776): ALDCMSVEVG[Arg766Trp]LRAFLQGGQE

ClinVar aggregate classification (germline): Uncertain significance (1 of 4 stars; one submission).

Conditions:
Amyotrophic lateral sclerosis type 1 (ALS1). Also called: AMYOTROPHIC LATERAL SCLEROSIS 1, FAMILIAL. Identifiers: Orphanet 803, MedGen C1862939, MONDO:0007103, OMIM 105400.
Neuronopathy, distal hereditary motor, type 7B. Also called: NEURONOPATHY, DISTAL HEREDITARY MOTOR, AUTOSOMAL DOMINANT 14; NEURONOPATHY, DISTAL HEREDITARY MOTOR, HARDING TYPE VIIB; NEUROPATHY, DISTAL HEREDITARY MOTOR, HARDING TYPE VIIB; NEUROPATHY, DISTAL HEREDITARY MOTOR, WITH VOCAL CORD PARALYSIS, HARDING TYPE VIIB; Distal Hereditary Motor Neuronopathy Type 7B (dHMN7B); HMN VIIB. Identifiers: Orphanet 139589, MedGen C1843315, MONDO:0011879, OMIM 607641.
Perry syndrome. Also called: PARKINSONISM WITH ALVEOLAR HYPOVENTILATION AND MENTAL DEPRESSION. Identifiers: Orphanet 178509, MedGen C1868594, MONDO:0008201, OMIM 168605.

Allele frequency attached by ClinVar (database versions not stated): gnomAD exomes below 0.00001 and 0.00001; TOPMed below 0.00001; ExAC 0.00001; gnomAD 0.00001.
gnomAD v4.1: 20 of 1,614,050 alleles (0.0012%); highest among the groups gnomAD compares: South Asian, 0.0022%; no homozygotes.

Submission:

Labcorp Genetics (formerly Invitae), Labcorp
Classification: Uncertain significance for Amyotrophic lateral sclerosis type 1; Neuronopathy, distal hereditary motor, type 7B; Perry syndrome. Last evaluated: 2023-10-04. Review status: criteria provided, single submitter. Criteria: Invitae Variant Classification Sherloc (09022015). Collection method: clinical testing. Allele origin: germline.
Comment: This sequence change replaces arginine, which is basic and polar, with tryptophan, which is neutral and slightly polar, at codon 766 of the DCTN1 protein (p.Arg766Trp). This variant is present in population databases (rs766338463, gnomAD 0.0009%). This variant has not been reported in the literature in individuals affected with DCTN1-related conditions. ClinVar contains an entry for this variant (Variation ID: 1519221). Advanced modeling of protein sequence and biophysical properties (such as structural, functional, and spatial information, amino acid conservation, physicochemical variation, residue mobility, and thermodynamic stability) performed at Invitae indicates that this missense variant is not expected to disrupt DCTN1 protein function. In summary, the available evidence is currently insufficient to determine the role of this variant in disease. Therefore, it has been classified as a Variant of Uncertain Significance.